The following is an entry in ClinVar:

NM_001009944.3(PKD1):c.9884A>G (p.Asn3295Ser)

Gene: PKD1 (polycystin 1, transient receptor potential channel interacting; minus strand). Cytogenetic location: 16p13.3.
Variant type: single nucleotide variant.
Coding change: c.9884A>G on transcript NM_001009944.3 (MANE Select); coding-DNA position 9884, A replaced by G.
Protein change: p.Asn3295Ser; replaces asparagine 3295 with serine.
Molecular consequence: missense variant.
Genome position (GRCh38, 1-based): chr16:2,099,900, T>C on the plus strand (A>G on the coding strand, the complement: PKD1 is on the minus strand). VCF-style: chr16-2099900-T-C. GRCh37 (hg19) VCF-style: chr16-2149901-T-C.
Other names: c.9884A>G, p.Asn3295Ser (NM_000296.4); short protein forms N3295S.
Identifiers: ClinVar variation 3357506 (VCV003357506.2).

ClinVar aggregate classification (germline): Uncertain significance. Review status: criteria provided, single submitter (1 of 4 stars). 2 submissions from 2 submitters: Uncertain significance (1). 1 of the submissions does not count toward it. Last evaluated 2025-06-11.

Conditions:
PKD1-related disorder. Also called: PKD1-related condition.

gnomAD v4.1: 120 of 1,567,376 alleles (0.0077%); highest among the groups gnomAD compares: East Asian, 0.054%; no homozygotes.

Submissions (2):

GeneDx
Classification: Uncertain significance. Last evaluated: 2025-06-11. Review status: criteria provided, single submitter. Criteria: GeneDx Variant Classification Process June 2021. Collection method: clinical testing. Allele origin: germline. Affected: yes.
Comment: In silico analysis suggests that this missense variant does not alter protein structure/function; This variant is associated with the following publications: (PMID: Peng2023[CaseReport], 22185115, 26139440, 27782177, 32970388, 29038287, 37372410)

PreventionGenetics, part of Exact Sciences
Classification: Uncertain significance for PKD1-related condition. Last evaluated: 2024-06-24. Review status: no assertion criteria provided. Collection method: clinical testing. Allele origin: germline. Not counted in ClinVar's aggregate classification.
Comment: The PKD1 c.9884A>G variant is predicted to result in the amino acid substitution p.Asn3295Ser. This variant was reported in individuals with polycystic kidney disease (Yu et al. 2011. PubMed ID: 22185115; Audrézet et al. 2015. PubMed ID: 26139440; Jin et al. 2016. PubMed ID: 27782177; Dong et al. 2020. PubMed ID: 32970388); however, in at least one instance this variant was inherited from an unaffected parent (Audrézet et al. 2015. PubMed ID: 26139440), and in another case the affected individual harbored a known pathogenic variant in the PKD2 gene (Dong et al. 2020. PubMed ID: 32970388). This variant was also described in the compound heterozygous state in a fetus with polycystic kidney disease (Peng et al. 2023. doi:10.12435/j.issn.2095-5227.2023.071). This variant is reported in 0.041% of alleles in individuals of East Asian descent in gnomAD. At this time, the clinical significance of this variant is uncertain due to the absence of conclusive functional and genetic evidence.